The following is an entry in ClinVar:

NM_005228.5(EGFR):c.3024C>G (p.Asp1008Glu)

Gene: EGFR (epidermal growth factor receptor; plus strand). Cytogenetic location: 7p11.2.
Variant type: single nucleotide variant.
Coding change: c.3024C>G on transcript NM_005228.5 (MANE Select); coding-DNA position 3024, C replaced by G.
Protein change: p.Asp1008Glu; replaces aspartic acid 1008 with glutamic acid.
Molecular consequence: missense variant.
Genome position (GRCh38, 1-based): chr7:55,201,265, C>G. VCF-style: chr7-55201265-C-G. GRCh37 (hg19) VCF-style: chr7-55268958-C-G.
Other names: c.2889C>G, p.Asp963Glu (NM_001346897.2, NM_001346899.2); c.3024C>G, p.Asp1008Glu (NM_001346898.2); c.2865C>G, p.Asp955Glu (NM_001346900.2); c.2223C>G, p.Asp741Glu (NM_001346941.2); short protein forms D741E, D963E, D955E, D1008E.
Identifiers: ClinVar variation 2869778 (VCV002869778.4), dbSNP rs747143752, ClinGen allele CA367582507.

ClinVar aggregate classification (germline): Conflicting classifications of pathogenicity. Review status: criteria provided, conflicting classifications (1 of 4 stars). 2 submissions from 2 submitters: Uncertain significance (1); Likely benign (1). Last evaluated 2025-07-30.

Conditions:
EGFR-related lung cancer (EGFR). Identifiers: MedGen CN130014.
Hereditary cancer-predisposing syndrome. Also called: Neoplastic Syndromes, Hereditary; Hereditary Cancer Syndrome; Hereditary neoplastic syndrome; Tumor predisposition. Identifiers: Orphanet 140162, MedGen C0027672, MeSH D009386, MONDO:0015356.

Allele frequency attached by ClinVar (database versions not stated): gnomAD 0.00001.
gnomAD v4.1: 2 of 1,614,044 alleles (0.00012%); highest among the groups gnomAD compares: African/African-American, 0.0027%; no homozygotes.

Submissions (2):

Labcorp Genetics (formerly Invitae), Labcorp
Classification: Uncertain significance for EGFR-related lung cancer. Last evaluated: 2025-07-30. Review status: criteria provided, single submitter. Criteria: Invitae Variant Classification Sherloc (09022015). Collection method: clinical testing. Allele origin: germline.
Comment: This sequence change replaces aspartic acid, which is acidic and polar, with glutamic acid, which is acidic and polar, at codon 1008 of the EGFR protein (p.Asp1008Glu). This variant is not present in population databases (gnomAD no frequency). This variant has not been reported in the literature in individuals affected with EGFR-related conditions. ClinVar contains an entry for this variant (Variation ID: 2869778). Invitae Evidence Modeling of protein sequence and biophysical properties (such as structural, functional, and spatial information, amino acid conservation, physicochemical variation, residue mobility, and thermodynamic stability) indicates that this missense variant is not expected to disrupt EGFR protein function with a negative predictive value of 80%. In summary, the available evidence is currently insufficient to determine the role of this variant in disease. Therefore, it has been classified as a Variant of Uncertain Significance.

Ambry Genetics
Classification: Likely benign for Hereditary cancer-predisposing syndrome. Last evaluated: 2024-08-09. Review status: criteria provided, single submitter. Criteria: Ambry Variant Classification Scheme 2023. Collection method: clinical testing. Allele origin: germline.